The following is an entry in ClinVar:

NM_138386.3(NAF1):c.326A>C (p.Asp109Ala)

Gene: NAF1 (nuclear assembly factor 1 ribonucleoprotein; minus strand). Cytogenetic location: 4q32.2.
Variant type: single nucleotide variant.
Coding change: c.326A>C on transcript NM_138386.3 (MANE Select); coding-DNA position 326, A replaced by C.
Protein change: p.Asp109Ala; replaces aspartic acid 109 with alanine.
Molecular consequence: missense variant.
Genome position (GRCh38, 1-based): chr4:163,166,402, T>G on the plus strand (A>C on the coding strand, the complement: NAF1 is on the minus strand). VCF-style: chr4-163166402-T-G. GRCh37 (hg19) VCF-style: chr4-164087554-T-G.
Other names: c.326A>C, p.Asp109Ala (NM_001128931.2); short protein forms D109A.
Identifiers: ClinVar variation 3673100 (VCV003673100.2).

ClinVar aggregate classification (germline): Uncertain significance (1 of 4 stars; one submission).

Submission:

Labcorp Genetics (formerly Invitae), Labcorp
Classification: Uncertain significance. Last evaluated: 2025-01-01. Review status: criteria provided, single submitter. Criteria: Invitae Variant Classification Sherloc (09022015). Collection method: clinical testing. Allele origin: germline.
Comment: This sequence change replaces aspartic acid, which is acidic and polar, with alanine, which is neutral and non-polar, at codon 109 of the NAF1 protein (p.Asp109Ala). This variant is not present in population databases (gnomAD no frequency). This variant has not been reported in the literature in individuals affected with NAF1-related conditions. An algorithm developed to predict the effect of missense changes on protein structure and function (PolyPhen-2) suggests that this variant is likely to be tolerated. In summary, the available evidence is currently insufficient to determine the role of this variant in disease. Therefore, it has been classified as a Variant of Uncertain Significance.